The following is an entry in ClinVar:

NM_152383.5(DIS3L2):c.2367C>T (p.Tyr789=)

Gene: DIS3L2 (DIS3 like 3'-5' exoribonuclease 2; plus strand). Cytogenetic location: 2q37.1.
Variant type: single nucleotide variant.
Coding change: c.2367C>T on transcript NM_152383.5 (MANE Select); coding-DNA position 2367, C replaced by T.
Protein change: p.Tyr789=; no amino-acid change (tyrosine 789 retained).
Molecular consequence: synonymous variant. On other transcripts: non-coding transcript variant (2), intron variant (1).
Genome position (GRCh38, 1-based): chr2:232,334,708, C>T. VCF-style: chr2-232334708-C-T. GRCh37 (hg19) VCF-style: chr2-233199418-C-T.
Other names: c.1582-8637C>T (NM_001257281.2).
Identifiers: ClinVar variation 416338 (VCV000416338.36), dbSNP rs770189518, ClinGen allele CA2164512.
Genomic context (GRCh38, chr2:232,334,708, plus strand): 5'-GTCAGAAGCCATGGTGATGGGCATCCTGAAGCAAGCCTTCGACGTGCTGGTGCTGCGCTA[C>T]GGCGTGCAGAAGCGCATCTACTGCAACGTGAGTGCCCTGGGAGAGCCCGGGGGCGGGCAG-3'
Protein context (NP_689596.4, residues 779-799): KQAFDVLVLR[Tyr789=]GVQKRIYCNA

ClinVar aggregate classification (germline): Likely benign. Review status: criteria provided, multiple submitters, no conflicts (2 of 4 stars). 3 submissions from 3 submitters: Likely benign (3). Last evaluated 2026-04-01.

Conditions:
Perlman syndrome (PRLMNS). Identifiers: Orphanet 2849, MedGen C0796113, MONDO:0009965, OMIM 267000.

Allele frequency attached by ClinVar (database versions not stated): gnomAD exomes 0.00009 and 0.00019; ExAC 0.00013; gnomAD 0.00024 and 0.00026; TOPMed 0.00025.
gnomAD v4.1: 307 of 1,608,464 alleles (0.019%); highest among the groups gnomAD compares: Admixed American, 0.024%; no homozygotes.

Submissions (3):

CeGaT Center for Human Genetics Tuebingen
Classification: Likely benign. Last evaluated: 2026-04-01. Review status: criteria provided, single submitter. Criteria: CeGaT Center For Human Genetics Tuebingen Variant Classification Criteria Version 2. Collection method: clinical testing. Allele origin: germline. Affected: yes. Observed: 3 variant alleles.
Comment: DIS3L2: BP4, BP7

Labcorp Genetics (formerly Invitae), Labcorp
Classification: Likely benign for Perlman syndrome. Last evaluated: 2026-02-03. Review status: criteria provided, single submitter. Criteria: Invitae Variant Classification Sherloc (09022015). Collection method: clinical testing. Allele origin: germline.

Sema4
Classification: Likely benign for Perlman syndrome. Last evaluated: 2021-09-24. Review status: criteria provided, single submitter. Criteria: Sema4 Curation Guidelines. Collection method: curation. Allele origin: germline.